The following is an entry in ClinVar:

ClinVar aggregate classification (germline): Conflicting classifications of pathogenicity. Review status: criteria provided, conflicting classifications (1 of 4 stars). 8 submissions from 8 submitters: Uncertain significance (1); Benign (3); Likely benign (4). Last evaluated 2026-01-26.

Conditions:
Multiple endocrine neoplasia, type 1 (MEN1). Also called: MEA I; Endocrine adenomatosis multiple; MEN 1; MEN I; WERMER SYNDROME. Identifiers: Orphanet 652, MedGen C0025267, MeSH D018761, MONDO:0007540, OMIM 131100.

Allele frequency attached by ClinVar (database versions not stated): TOPMed 0.00002; gnomAD 0.00004; gnomAD exomes 0.00004 and 0.00008; ExAC 0.00008; ESP Exome Variant Server 0.00008.

Submissions (8):

Labcorp Genetics (formerly Invitae), Labcorp
Classification: Likely benign for Multiple endocrine neoplasia, type 1. Last evaluated: 2026-01-26. Review status: criteria provided, single submitter. Criteria: Invitae Variant Classification Sherloc (09022015). Collection method: clinical testing. Allele origin: germline.

GeneDx
Classification: Uncertain significance. Last evaluated: 2025-08-22. Review status: criteria provided, single submitter. Criteria: GeneDx Variant Classification Process June 2021. Collection method: clinical testing. Allele origin: germline.
Comment: Has not been previously published as pathogenic or benign to our knowledge; In silico analysis suggests this variant may impact gene splicing. In the absence of RNA/functional studies, the actual effect of this sequence change is unknown.; This variant is associated with the following publications: (PMID: 29760388)

CeGaT Center for Human Genetics Tuebingen
Classification: Likely benign. Last evaluated: 2025-07-01. Review status: criteria provided, single submitter. Criteria: CeGaT Center For Human Genetics Tuebingen Variant Classification Criteria Version 2. Collection method: clinical testing. Allele origin: germline. Affected: yes. Observed: 1 variant allele.
Comment: MEN1: BP4, BS1

KCCC/NGS Laboratory, Kuwait Cancer Control Center
Classification: Benign for Multiple endocrine neoplasia, type 1. Last evaluated: 2025-02-01. Review status: criteria provided, single submitter. Criteria: ACMG Guidelines, 2015. Collection method: clinical testing. Allele origin: germline. Affected: no.

Blueprint Genetics
Classification: Likely benign. Last evaluated: 2024-10-30. Review status: criteria provided, single submitter. Criteria: ACMG Guidelines, 2015. Collection method: clinical testing. Allele origin: germline.

Myriad Genetics, Inc.
Classification: Benign for Multiple endocrine neoplasia, type 1. Last evaluated: 2024-09-04. Review status: criteria provided, single submitter. Criteria: Myriad Autosomal Dominant, Autosomal Recessive and X-Linked Classification Criteria (2023). Collection method: clinical testing. Allele origin: unknown.
Comment: This variant is considered benign. This variant is intronic and is not expected to impact mRNA splicing. This variant has been observed at a population frequency that is significantly greater than expected given the associated disease prevalence and penetrance.

Women's Health and Genetics/Laboratory Corporation of America, LabCorp
Classification: Benign. Last evaluated: 2023-09-17. Review status: criteria provided, single submitter. Criteria: LabCorp Variant Classification Summary - May 2015. Collection method: clinical testing. Allele origin: germline.

Color Diagnostics, LLC DBA Color Health
Classification: Likely benign for Multiple endocrine neoplasia, type 1. Last evaluated: 2023-03-31. Review status: criteria provided, single submitter. Criteria: ACMG Guidelines, 2015. Collection method: clinical testing. Allele origin: germline.

NM_001370259.2(MEN1):c.784-10C>T

Gene: MEN1 (menin 1; minus strand). Cytogenetic location: 11q13.1.
Variant type: single nucleotide variant.
Coding change: c.784-10C>T on transcript NM_001370259.2 (MANE Select); 10 bases into the intron before coding-DNA position 784, C replaced by T.
Molecular consequence: intron variant.
Genome position (GRCh38, 1-based): chr11:64,807,229, G>A on the plus strand (C>T on the coding strand, the complement: MEN1 is on the minus strand). VCF-style: chr11-64807229-G-A. GRCh37 (hg19) VCF-style: chr11-64574701-G-A.
Other names: c.799-10C>T (NM_130804.3, NM_130803.3, NM_000244.4 and 4 more transcripts); c.784-10C>T (NM_130799.3, NM_001370260.2, NM_001370251.2 and 1 more transcripts); c.679-10C>T (NM_001370263.2, NM_001370262.2).
Identifiers: ClinVar variation 412565 (VCV000412565.25), dbSNP rs71526470, ClinGen allele CA061567.